The following is an entry in ClinVar:

NM_001394062.1(MACF1):c.14540dup (p.Ser4847fs)

Gene: MACF1 (microtubule actin crosslinking factor 1; plus strand). Cytogenetic location: 1p34.3.
Variant type: Duplication.
Coding change: c.14540dup on transcript NM_001394062.1 (MANE Select); coding-DNA position 14540, one base duplicated (G; older notation c.14540dupG).
Protein change: p.Ser4847fs; shifts the reading frame from serine 4847.
Molecular consequence: frameshift variant.
Genome position (GRCh38, 1-based): chr1:39,387,382, G duplicated. VCF-style (leftmost placement, unchanged base first): chr1-39387381-A-AG. GRCh37 (hg19) VCF-style: chr1-39853053-A-AG.
Other names: c.8354dup, p.Ser2785fs (NM_012090.5); short protein forms S2785fs, S4847fs.
Identifiers: ClinVar variation 1704845 (VCV001704845.3), dbSNP rs2522637367, ClinGen allele CA2580062715.

ClinVar aggregate classification (germline): Uncertain significance (1 of 4 stars; one submission).

Submission:

GeneDx
Classification: Uncertain significance. Last evaluated: 2024-04-25. Review status: criteria provided, single submitter. Criteria: GeneDx Variant Classification Process June 2021. Collection method: clinical testing. Allele origin: germline. Affected: yes.
Comment: Not observed at significant frequency in large population cohorts (gnomAD); Frameshift variant predicted to result in protein truncation or nonsense mediated decay in a gene for which loss-of-function is a known mechanism of disease; Has not been previously published as pathogenic or benign to our knowledge